The following is an entry in ClinVar:

NM_001267550.2(TTN):c.34093_34102del (p.Pro11365fs)

Gene: TTN (titin; minus strand). Cytogenetic location: 2q31.2.
Variant type: Deletion.
Coding change: c.34093_34102del on transcript NM_001267550.2 (MANE Select); coding-DNA positions 34093 to 34102, 10 bases deleted (CCTGAGGAAG; older notation c.34093_34102delCCTGAGGAAG).
Protein change: p.Pro11365fs; shifts the reading frame from proline 11365.
Molecular consequence: frameshift variant. On other transcripts: intron variant (3).
Genome position (GRCh38, 1-based): chr2:178,677,810-178,677,819, CTTCCTCAGG deleted on the plus strand (CCTGAGGAAG on the coding strand, the reverse complement: TTN is on the minus strand). VCF-style (leftmost placement, unchanged base first): chr2-178677809-TCTTCCTCAGG-T. GRCh37 (hg19) VCF-style: chr2-179542536-TCTTCCTCAGG-T.
Other names: c.33142_33151del, p.Pro11048fs (NM_001256850.1); c.30361_30370del, p.Pro10121fs (NM_133378.4); c.13283-35502_13283-35493del (NM_003319.4); c.13859-35502_13859-35493del (NM_133437.4); c.13658-35502_13658-35493del (NM_133432.3); c.34093_34102delCCTGAGGAAG (NM_001267550.2); short protein forms P11048fs, P10121fs, P11365fs.
Identifiers: ClinVar variation 467032 (VCV000467032.9), dbSNP rs1553823547, ClinGen allele CA658657170.

ClinVar aggregate classification (germline): Likely pathogenic (1 of 4 stars; one submission).

Conditions:
Autosomal recessive limb-girdle muscular dystrophy type 2J (LGMDR10). Also called: Limb-girdle muscular dystrophy, type 2J; MUSCULAR DYSTROPHY, LIMB-GIRDLE, AUTOSOMAL RECESSIVE 10. Identifiers: Orphanet 140922, MedGen C1837342, MONDO:0012127, OMIM 608807.
Dilated cardiomyopathy 1G (CMD1G). Identifiers: Orphanet 154, MedGen C1858763, MONDO:0011400, OMIM 604145.

Submission:

Labcorp Genetics (formerly Invitae), Labcorp
Classification: Likely pathogenic for Dilated cardiomyopathy 1G; Autosomal recessive limb-girdle muscular dystrophy type 2J. Last evaluated: 2025-04-01. Review status: criteria provided, single submitter. Criteria: Invitae Variant Classification Sherloc (09022015). Collection method: clinical testing. Allele origin: germline.
Comment: This sequence change creates a premature translational stop signal (p.Pro11365Argfs*100) in the TTN gene. While this is not anticipated to result in nonsense mediated decay, it is expected to create a truncated TTN protein. This variant is not present in population databases (gnomAD no frequency). This variant has not been reported in the literature in individuals affected with TTN-related conditions. ClinVar contains an entry for this variant (Variation ID: 467032). This variant is located in the I band of TTN (PMID: 25589632). Truncating variants in this region have been reported in individuals affected with autosomal recessive centronuclear myopathy (PMID: 23975875, internal data). Truncating variants in this region have also been identified in individuals affected with autosomal dominant dilated cardiomyopathy and/or cardio-related conditions (PMID: 27869827, 32964742, internal data). In summary, the currently available evidence indicates that the variant is pathogenic, but additional data are needed to prove that conclusively. Therefore, this variant has been classified as Likely Pathogenic.

Literature cited by the submitters: PubMed 25589632; PubMed 23975875; PubMed 27869827; PubMed 32964742.